The following is an entry in ClinVar:

NM_002691.4(POLD1):c.2518G>C (p.Val840Leu)

Gene: POLD1 (DNA polymerase delta 1, catalytic subunit; plus strand). Cytogenetic location: 19q13.33.
Variant type: single nucleotide variant.
Coding change: c.2518G>C on transcript NM_002691.4 (MANE Select); coding-DNA position 2518, G replaced by C.
Protein change: p.Val840Leu; replaces valine 840 with leucine.
Molecular consequence: missense variant. On other transcripts: non-coding transcript variant (1).
Genome position (GRCh38, 1-based): chr19:50,414,944, G>C. VCF-style: chr19-50414944-G-C. GRCh37 (hg19) VCF-style: chr19-50918201-G-C.
Other names: c.2518G>C, p.Val840Leu (NM_001256849.1); c.2596G>C, p.Val866Leu (NM_001308632.1); short protein forms V840L, V866L.
Identifiers: ClinVar variation 1420689 (VCV001420689.8), dbSNP rs763443242, ClinGen allele CA9596544.

ClinVar aggregate classification (germline): Uncertain significance (1 of 4 stars; one submission).

Conditions:
POLD1-related polyposis and colorectal cancer syndrome (CRCS10). Also called: Colorectal cancer, susceptibility to, 10; Colorectal cancer 10; COLORECTAL CANCER, SUSCEPTIBILITY TO, ON CHROMOSOME 19q. Identifiers: Orphanet 220460, MedGen C2675481, MONDO:0012953, OMIM 612591.

gnomAD v4.1: 1 of 1,607,598 alleles (0.000062%); highest among the groups gnomAD compares: South Asian, 0.0011%; no homozygotes.

Submission:

Labcorp Genetics (formerly Invitae), Labcorp
Classification: Uncertain significance for POLD1-related polyposis and colorectal cancer syndrome. Last evaluated: 2022-05-17. Review status: criteria provided, single submitter. Criteria: Invitae Variant Classification Sherloc (09022015). Collection method: clinical testing. Allele origin: germline.
Comment: This variant has not been reported in the literature in individuals affected with POLD1-related conditions. In summary, the available evidence is currently insufficient to determine the role of this variant in disease. Therefore, it has been classified as a Variant of Uncertain Significance. Algorithms developed to predict the effect of missense changes on protein structure and function are either unavailable or do not agree on the potential impact of this missense change (SIFT: "Deleterious"; PolyPhen-2: "Probably Damaging"; Align-GVGD: "Class C0"). The frequency data for this variant in the population databases is considered unreliable, as metrics indicate poor data quality at this position in the gnomAD database. This sequence change replaces valine, which is neutral and non-polar, with leucine, which is neutral and non-polar, at codon 840 of the POLD1 protein (p.Val840Leu).